The following is an entry in ClinVar:

ClinVar aggregate classification (germline): Uncertain significance (1 of 4 stars; one submission).

Conditions:
Leber congenital amaurosis 6 (LCA6). Identifiers: Orphanet 65, MedGen C1854260, MONDO:0013446, OMIM 613826.
Cone-rod dystrophy 13 (CORD13). Identifiers: Orphanet 1872, MedGen C2750720, MONDO:0011987, OMIM 608194.

Allele frequency attached by ClinVar (database versions not stated): gnomAD 0.00001.
gnomAD v4.1: 2 of 1,569,514 alleles (0.00013%); highest among the groups gnomAD compares: Admixed American, 0.0038%; no homozygotes.

Submission:

Labcorp Genetics (formerly Invitae), Labcorp
Classification: Uncertain significance for Leber congenital amaurosis 6; Cone-rod dystrophy 13. Last evaluated: 2023-07-17. Review status: criteria provided, single submitter. Criteria: Invitae Variant Classification Sherloc (09022015). Collection method: clinical testing. Allele origin: germline.
Comment: This sequence change replaces glutamic acid, which is acidic and polar, with aspartic acid, which is acidic and polar, at codon 787 of the RPGRIP1 protein (p.Glu787Asp). This variant is present in population databases (no rsID available, gnomAD 0.004%). In summary, the available evidence is currently insufficient to determine the role of this variant in disease. Therefore, it has been classified as a Variant of Uncertain Significance. Advanced modeling of protein sequence and biophysical properties (such as structural, functional, and spatial information, amino acid conservation, physicochemical variation, residue mobility, and thermodynamic stability) performed at Invitae indicates that this missense variant is expected to disrupt RPGRIP1 protein function. ClinVar contains an entry for this variant (Variation ID: 1465134). This variant has not been reported in the literature in individuals affected with RPGRIP1-related conditions.

NM_020366.4(RPGRIP1):c.2361A>T (p.Glu787Asp)

Gene: RPGRIP1 (RPGR interacting protein 1; plus strand). Cytogenetic location: 14q11.2.
Variant type: single nucleotide variant.
Coding change: c.2361A>T on transcript NM_020366.4 (MANE Select); coding-DNA position 2361, A replaced by T.
Protein change: p.Glu787Asp; replaces glutamic acid 787 with aspartic acid.
Molecular consequence: missense variant. On other transcripts: intron variant (4).
Genome position (GRCh38, 1-based): chr14:21,325,377, A>T. VCF-style: chr14-21325377-A-T. GRCh37 (hg19) VCF-style: chr14-21793536-A-T.
Other names: c.1287A>T, p.Glu429Asp (NM_001377948.1); c.796+652A>T (NM_001377949.1); c.689-2246A>T (NM_001377523.1, NM_001377950.1); c.191-2246A>T (NM_001377951.1); short protein forms E787D, E429D.
Identifiers: ClinVar variation 1465134 (VCV001465134.8), dbSNP rs1427873310, ClinGen allele CA388868691.